The following is an entry in ClinVar:

ClinVar aggregate classification (germline): Uncertain significance. Review status: criteria provided, multiple submitters, no conflicts (2 of 4 stars). 2 submissions from 2 submitters: Uncertain significance (2). Last evaluated 2025-04-13.

Conditions:
Hereditary pancreatitis (PCTT). Also called: PRSS1-Related Hereditary Pancreatitis; Hereditary chronic pancreatitis. Identifiers: Orphanet 676, MedGen C0238339, MONDO:0008185, OMIM 167800.

Submissions (2):

Ambry Genetics
Classification: Uncertain significance for Hereditary pancreatitis. Last evaluated: 2025-04-13. Review status: criteria provided, single submitter. Criteria: Ambry Variant Classification Scheme 2023. Collection method: clinical testing. Allele origin: germline.
Comment: The p.L135R variant (also known as c.404T>G), located in coding exon 4 of the CPA1 gene, results from a T to G substitution at nucleotide position 404. The leucine at codon 135 is replaced by arginine, an amino acid with dissimilar properties. This amino acid position is conserved. In addition, the in silico prediction for this alteration is inconclusive. Based on the available evidence, the clinical significance of this variant remains unclear.

Labcorp Genetics (formerly Invitae), Labcorp
Classification: Uncertain significance. Last evaluated: 2024-04-03. Review status: criteria provided, single submitter. Criteria: Invitae Variant Classification Sherloc (09022015). Collection method: clinical testing. Allele origin: germline.
Comment: This sequence change replaces leucine, which is neutral and non-polar, with arginine, which is basic and polar, at codon 135 of the CPA1 protein (p.Leu135Arg). This variant is not present in population databases (gnomAD no frequency). This variant has not been reported in the literature in individuals affected with CPA1-related conditions. Advanced modeling of protein sequence and biophysical properties (such as structural, functional, and spatial information, amino acid conservation, physicochemical variation, residue mobility, and thermodynamic stability) performed at Invitae indicates that this missense variant is expected to disrupt CPA1 protein function with a positive predictive value of 80%. In summary, the available evidence is currently insufficient to determine the role of this variant in disease. Therefore, it has been classified as a Variant of Uncertain Significance.

NM_001868.4(CPA1):c.404T>G (p.Leu135Arg)

Gene: CPA1 (carboxypeptidase A1; plus strand). Cytogenetic location: 7q32.2.
Variant type: single nucleotide variant.
Coding change: c.404T>G on transcript NM_001868.4 (MANE Select); coding-DNA position 404, T replaced by G.
Protein change: p.Leu135Arg; replaces leucine 135 with arginine.
Molecular consequence: missense variant.
Genome position (GRCh38, 1-based): chr7:130,382,130, T>G. VCF-style: chr7-130382130-T-G. GRCh37 (hg19) VCF-style: chr7-130021971-T-G.
Other names: c.404T>G (NM_001868.2); short protein forms L135R.
Identifiers: ClinVar variation 3669356 (VCV003669356.3).